The following is an entry in ClinVar:

NM_194277.3(FRMD7):c.2053C>G (p.Gln685Glu)

Gene: FRMD7 (FERM domain containing 7; minus strand). Cytogenetic location: Xq26.2.
Variant type: single nucleotide variant.
Coding change: c.2053C>G on transcript NM_194277.3 (MANE Select); coding-DNA position 2053, C replaced by G.
Protein change: p.Gln685Glu; replaces glutamine 685 with glutamic acid.
Molecular consequence: missense variant.
Genome position (GRCh38, 1-based): chrX:132,077,964, G>C on the plus strand (C>G on the coding strand, the complement: FRMD7 is on the minus strand). VCF-style: chrX-132077964-G-C. GRCh37 (hg19) VCF-style: chrX-131211992-G-C.
Other names: c.2008C>G, p.Gln670Glu (NM_001306193.2); short protein forms Q670E, Q685E.
Identifiers: ClinVar variation 4281883 (VCV004281883.1).

ClinVar aggregate classification (germline): Uncertain significance (1 of 4 stars; one submission).

Submission:

GeneDx
Classification: Uncertain significance. Last evaluated: 2025-04-05. Review status: criteria provided, single submitter. Criteria: GeneDx Variant Classification Process June 2021. Collection method: clinical testing. Allele origin: germline. Affected: yes.
Comment: Not observed at significant frequency in large population cohorts (gnomAD); In silico analysis indicates that this missense variant does not alter protein structure/function; Has not been previously published as pathogenic or benign to our knowledge